The following is an entry in ClinVar:

NM_001165963.4(SCN1A):c.2947-7T>G

Gene: SCN1A (sodium voltage-gated channel alpha subunit 1; minus strand). Cytogenetic location: 2q24.3.
Variant type: single nucleotide variant.
Coding change: c.2947-7T>G on transcript NM_001165963.4 (MANE Select); 7 bases into the intron before coding-DNA position 2947, T replaced by G.
Molecular consequence: intron variant.
Genome position (GRCh38, 1-based): chr2:166,036,537, A>C on the plus strand (T>G on the coding strand, the complement: SCN1A is on the minus strand). VCF-style: chr2-166036537-A-C. GRCh37 (hg19) VCF-style: chr2-166893047-A-C.
Other names: c.2914-7T>G (NM_001353949.2, NM_001353950.2, NM_001353951.2 and 2 more transcripts); c.2863-7T>G (NM_001353958.2, NM_001353957.2, NM_001165964.3); c.2947-7T>G (NM_001202435.3, NM_001353948.2); c.2911-7T>G (NM_001353955.2, NM_001353954.2); c.2860-7T>G (NM_001353960.2); c.505-7T>G (NM_001353961.2).
Identifiers: ClinVar variation 461259 (VCV000461259.13), dbSNP rs913084871, ClinGen allele CA59787666.
Genomic context (GRCh38, chr2:166,036,537, plus strand): 5'-AAGGTTGTCTGCACTAAATGAGCTCAGAAGCAAGGCCAGAAAGAGATTCAGGACCTTAAA[A>C]ACAACAAAAACATGATTATAATTTTACACCAATGTAGGGAAGAGCAGATTACAATCACTT-3'

ClinVar aggregate classification (germline): Likely benign. Review status: criteria provided, multiple submitters, no conflicts (2 of 4 stars). 3 submissions from 3 submitters: Likely benign (3). Last evaluated 2025-11-17.

Conditions:
Early-infantile DEE. Also called: Early infantile epileptic encephalopathy with suppression bursts; Early infantile epileptic encephalopathy; Ohtahara syndrome. Identifiers: Orphanet 1934, MedGen C0393706, MONDO:0800491.

Allele frequency attached by ClinVar (database versions not stated): gnomAD exomes below 0.00001 and 0.00002; gnomAD 0.00002; TOPMed 0.00002.
gnomAD v4.1: 26 of 1,612,676 alleles (0.0016%); highest among the groups gnomAD compares: Non-Finnish European, 0.002%; no homozygotes.

Submissions (3):

Labcorp Genetics (formerly Invitae), Labcorp
Classification: Likely benign for Early-infantile DEE. Last evaluated: 2025-11-17. Review status: criteria provided, single submitter. Criteria: Invitae Variant Classification Sherloc (09022015). Collection method: clinical testing. Allele origin: germline.

Women's Health and Genetics/Laboratory Corporation of America, LabCorp
Classification: Likely benign. Last evaluated: 2024-12-30. Review status: criteria provided, single submitter. Criteria: LabCorp Variant Classification Summary - May 2015. Collection method: clinical testing. Allele origin: germline.
Comment: Variant summary: SCN1A c.2947-7T>G alters a conserved nucleotide located close to a canonical splice site and therefore could affect mRNA splicing, leading to a significantly altered protein sequence. Consensus agreement among computation tools predict no significant impact on normal splicing. However, these predictions have yet to be confirmed by functional studies. The variant allele was found at a frequency of 1.6e-05 in 1605700 control chromosomes in the gnomAD database (v4.1 dataset). To our knowledge, no occurrence of c.2947-7T>G in individuals affected with SCN1A-Related Seizure Disorder and no experimental evidence demonstrating its impact on protein function have been reported. ClinVar contains an entry for this variant (Variation ID: 461259). Based on the evidence outlined above, the variant was classified as likely benign.

GeneDx
Classification: Likely benign. Last evaluated: 2018-03-16. Review status: criteria provided, single submitter. Criteria: GeneDx Variant Classification (06012015). Collection method: clinical testing. Allele origin: germline. Affected: yes.
Comment: This variant is considered likely benign or benign based on one or more of the following criteria: it is a conservative change, it occurs at a poorly conserved position in the protein, it is predicted to be benign by multiple in silico algorithms, and/or has population frequency not consistent with disease.